The following is an entry in ClinVar:

NM_000107.3(DDB2):c.450C>A (p.Ile150=)

Gene: DDB2 (damage specific DNA binding protein 2; plus strand). Cytogenetic location: 11p11.2.
Variant type: single nucleotide variant.
Coding change: c.450C>A on transcript NM_000107.3 (MANE Select); coding-DNA position 450, C replaced by A.
Protein change: p.Ile150=; no amino-acid change (isoleucine 150 retained).
Molecular consequence: synonymous variant. On other transcripts: non-coding transcript variant (2), intron variant (1).
Genome position (GRCh38, 1-based): chr11:47,217,043, C>A. VCF-style: chr11-47217043-C-A. GRCh37 (hg19) VCF-style: chr11-47238594-C-A.
Other names: c.450C>A, p.Ile150= (NM_001300734.2, NM_001399874.1, NM_001399875.1 and 1 more transcripts); c.264+571C>A (NM_001399878.1).
Identifiers: ClinVar variation 3630798 (VCV003630798.2).

ClinVar aggregate classification (germline): Uncertain significance (1 of 4 stars; one submission).

gnomAD v4.1: 28 of 1,613,686 alleles (0.0017%); highest among the groups gnomAD compares: African/African-American, 0.031%; no homozygotes.

Submission:

Labcorp Genetics (formerly Invitae), Labcorp
Classification: Uncertain significance. Last evaluated: 2024-03-28. Review status: criteria provided, single submitter. Criteria: Invitae Variant Classification Sherloc (09022015). Collection method: clinical testing. Allele origin: germline.
Comment: This sequence change affects codon 150 of the DDB2 mRNA. It is a 'silent' change, meaning that it does not change the encoded amino acid sequence of the DDB2 protein. This variant is present in population databases (rs145264146, gnomAD 0.03%). This variant has not been reported in the literature in individuals affected with DDB2-related conditions. Algorithms developed to predict the effect of sequence changes on RNA splicing suggest that this variant may disrupt the consensus splice site. In summary, the available evidence is currently insufficient to determine the role of this variant in disease. Therefore, it has been classified as a Variant of Uncertain Significance.